The following is an entry in ClinVar:

ClinVar aggregate classification (germline): Uncertain significance. Review status: criteria provided, multiple submitters, no conflicts (2 of 4 stars). 2 submissions from 2 submitters: Uncertain significance (2). Last evaluated 2024-08-05.

Conditions:
Inborn genetic diseases. Identifiers: MedGen C0950123, MeSH D030342.

Allele frequency attached by ClinVar (database versions not stated): ExAC 0.00002; gnomAD exomes 0.00002 and 0.00004; gnomAD 0.00003; TOPMed 0.00003.
gnomAD v4.1: 63 of 1,613,796 alleles (0.0039%); highest among the groups gnomAD compares: Non-Finnish European, 0.0052%; no homozygotes.

Submissions (2):

Ambry Genetics
Classification: Uncertain significance for Inborn genetic diseases. Last evaluated: 2024-08-05. Review status: criteria provided, single submitter. Criteria: Ambry Variant Classification Scheme 2023. Collection method: clinical testing. Allele origin: germline.

Labcorp Genetics (formerly Invitae), Labcorp
Classification: Uncertain significance. Last evaluated: 2023-10-13. Review status: criteria provided, single submitter. Criteria: Invitae Variant Classification Sherloc (09022015). Collection method: clinical testing. Allele origin: germline.
Comment: This sequence change replaces alanine, which is neutral and non-polar, with proline, which is neutral and non-polar, at codon 1057 of the AP3B2 protein (p.Ala1057Pro). This variant is present in population databases (rs764429707, gnomAD 0.006%). This variant has not been reported in the literature in individuals affected with AP3B2-related conditions. ClinVar contains an entry for this variant (Variation ID: 1429201). An algorithm developed to predict the effect of missense changes on protein structure and function (PolyPhen-2) suggests that this variant is likely to be disruptive. In summary, the available evidence is currently insufficient to determine the role of this variant in disease. Therefore, it has been classified as a Variant of Uncertain Significance.

NM_001278512.2(AP3B2):c.3226G>C (p.Ala1076Pro)

Genes: AP3B2 (adaptor related protein complex 3 subunit beta 2; minus strand), CPEB1-AS1 (CPEB1 antisense RNA 1; plus strand). Cytogenetic location: 15q25.2.
Variant type: single nucleotide variant.
Coding change: c.3226G>C on transcript NM_001278512.2 (MANE Select); coding-DNA position 3226, G replaced by C.
Protein change: p.Ala1076Pro; replaces alanine 1076 with proline.
Molecular consequence: missense variant.
Genome position (GRCh38, 1-based): chr15:82,659,640, C>G on the plus strand (G>C on the coding strand, the complement: AP3B2 is on the minus strand). VCF-style: chr15-82659640-C-G. GRCh37 (hg19) VCF-style: chr15-83328392-C-G.
Other names: c.358G>C, p.Ala120Pro (NM_001348441.2); c.3169G>C, p.Ala1057Pro (NM_004644.5); c.3073G>C, p.Ala1025Pro (NM_001278511.2); c.3169G>C (NM_004644.3); short protein forms A1076P, A120P, A1025P, A1057P.
Identifiers: ClinVar variation 1429201 (VCV001429201.7), dbSNP rs764429707, ClinGen allele CA7699660.